The following is an entry in ClinVar:

NM_000169.3(GLA):c.928C>T (p.Leu310Phe)

Genes: GLA (galactosidase alpha; minus strand), RPL36A-HNRNPH2 (RPL36A-HNRNPH2 readthrough; plus strand). Cytogenetic location: Xq22.1.
Variant type: single nucleotide variant.
Coding change: c.928C>T on transcript NM_000169.3 (MANE Select); coding-DNA position 928, C replaced by T.
Protein change: p.Leu310Phe; replaces leucine 310 with phenylalanine.
Molecular consequence: missense variant. On other transcripts: non-coding transcript variant (3), intron variant (2).
Genome position (GRCh38, 1-based): chrX:101,398,441, G>A on the plus strand (C>T on the coding strand, the complement: GLA is on the minus strand). VCF-style: chrX-101398441-G-A. GRCh37 (hg19) VCF-style: chrX-100653429-G-A.
Other names: c.1051C>T, p.Leu351Phe (NM_001406747.1); c.928C>T, p.Leu310Phe (NM_001406748.1); c.300+2984G>A (NM_001199973.2); c.177+6619G>A (NM_001199974.2); short protein forms L310F, L351F.
Identifiers: ClinVar variation 4087584 (VCV004087584.2).
Genomic context (GRCh38, chrX:101,398,441, plus strand): 5'-GGTACCCTTGCTTGCCCAAGGGGTCCTGATTGATGGCAATTACGTCCTTATCCTGAAGGA[G>A]AGCTTTGGCTTGAGGGCTGATGTGTCGGAGGTCATTAGACATGAATAAAGGAGCAGCCAT-3'
Protein context (NP_000160.1, residues 300-320): LRHISPQAKA[Leu310Phe]LQDKDVIAIN

ClinVar aggregate classification (germline): Likely pathogenic (1 of 4 stars; one submission).

Conditions:
Fabry disease. Also called: ALPHA-GALACTOSIDASE A DEFICIENCY; ANDERSON-FABRY DISEASE; CERAMIDE TRIHEXOSIDASE DEFICIENCY; GLA DEFICIENCY; HEREDITARY DYSTOPIC LIPIDOSIS; Angiokeratoma corporis diffusum. Identifiers: Orphanet 324, MedGen C0002986, MONDO:0010526, OMIM 301500, HP:0001071. Disease mechanism: Fabry disease is due to inactivating mutations in the X-linked GLA gene resulting in deficiency of the enzyme Alpha Galactosidase-A., loss of function.

Submission:

Genomenon, Inc
Classification: Likely pathogenic for Fabry disease. Last evaluated: 2026-09-08. Review status: criteria provided, single submitter. Criteria: Genomenon Sequence Variant Interpretation Standards - Updated. Collection method: curation. Allele origin: germline. Affected: yes.
Comment: GLA p.Leu310Phe (c.928C>T) is a missense variant that changes the amino acid at codon 310 from Leucine to Phenylalanine. This variant has been observed in at least one proband with clinical features consistent with Fabry disease (PMID:37406430;34796992;34128148). At least one functional study has demonstrated a substantial alteration in protein function relative to the wild-type (PMID:32023956;31036492;22004918;23935525;27657681). It is absent or not present at a significant frequency in gnomAD. In silico models predict that this variant is possibly or probably damaging. In conclusion, we classify GLA p.Leu310Phe (c.928C>T) as a likely pathogenic variant.

Literature cited by the submitters: PubMed 37406430; PubMed 34796992; PubMed 34128148; PubMed 32023956; PubMed 31036492; PubMed 22004918; PubMed 23935525; PubMed 27657681.